The following is an entry in ClinVar:

ClinVar aggregate classification (germline): Pathogenic (0 of 4 stars; one submission).

Conditions:
Hypomagnesemia 7, renal, with or without dilated cardiomyopathy (HOMG7). Identifiers: MedGen C5774266, MONDO:0859328, OMIM 620152.

Submission:

Molecular Physiology Group, Radboudumc
Classification: Pathogenic for Hypomagnesemia 7, renal, with or without dilated cardiomyopathy. Review status: no assertion criteria provided. Collection method: clinical testing. Allele origin: unknown. Affected: yes.
Comment: The RRAGD NM_021244.5:c.272C>T variant is a heterozygous missense variant found in four individuals with kidney tubulopathy (internal data). These phenotypes fit other heterozygous missense variants in RRAGD previously reported (PMID 34607910, 37188688, and 38372174) in autosomal dominant kidney hypomagnesemia with RRAGD variants (ADKH-RRAGD, OMIM: 620152) indicating this variant is highly likely to be associated with this disease. The variant is not present in gnomAD. Inheritance pattern is still being investigated.

Literature cited by the submitters: PubMed 34607910; PubMed 37188688; PubMed 38372174.

NM_021244.5(RRAGD):c.272C>T (p.Thr91Ile)

Gene: RRAGD (Ras related GTP binding D; minus strand). Cytogenetic location: 6q15.
Variant type: single nucleotide variant.
Coding change: c.272C>T on transcript NM_021244.5 (MANE Select); coding-DNA position 272, C replaced by T.
Protein change: p.Thr91Ile; replaces threonine 91 with isoleucine.
Molecular consequence: missense variant.
Genome position (GRCh38, 1-based): chr6:89,387,467, G>A on the plus strand (C>T on the coding strand, the complement: RRAGD is on the minus strand). VCF-style: chr6-89387467-G-A. GRCh37 (hg19) VCF-style: chr6-90097186-G-A.
Other names: short protein forms T91I.
Identifiers: ClinVar variation 3765497 (VCV003765497.1).